The following is an entry in ClinVar:

NM_024027.5(COLEC11):c.-26-5T>C

Gene: COLEC11 (collectin subfamily member 11; plus strand). Cytogenetic location: 2p25.3.
Variant type: single nucleotide variant.
Coding change: c.-26-5T>C on transcript NM_024027.5 (MANE Select); 5 bases into the intron before 26 bases upstream of the start codon, T replaced by C.
Molecular consequence: intron variant.
Genome position (GRCh38, 1-based): chr2:3,604,310, T>C. VCF-style: chr2-3604310-T-C. GRCh37 (hg19) VCF-style: chr2-3651900-T-C.
Other names: c.-114-5T>C (NM_199235.3); c.-26-5T>C (NM_001255983.2, NM_001255982.2, NM_001255984.2); c.17-5T>C (NM_001255985.1).
Identifiers: ClinVar variation 3054253 (VCV003054253.2), dbSNP rs200557360, ClinGen allele CA1516777.

ClinVar aggregate classification (germline): Likely benign (0 of 4 stars; one submission).

Conditions:
COLEC11-related disorder. Also called: COLEC11-related condition.

Allele frequency attached by ClinVar (database versions not stated): gnomAD exomes 0.00001; ExAC 0.00002; gnomAD 0.00005; 1000 Genomes Project 30x 0.00047; 1000 Genomes Project 0.00060.
gnomAD v4.1: 18 of 1,614,116 alleles (0.0011%); highest among the groups gnomAD compares: African/African-American, 0.02%; no homozygotes.

Submission:

PreventionGenetics, part of Exact Sciences
Classification: Likely benign for COLEC11-related condition. Last evaluated: 2020-05-05. Review status: no assertion criteria provided. Collection method: clinical testing. Allele origin: germline.
Comment: This variant is classified as likely benign based on ACMG/AMP sequence variant interpretation guidelines (Richards et al. 2015 PMID: 25741868, with internal and published modifications).